The following is an entry in ClinVar:

NM_000091.5(COL4A3):c.2263C>T (p.Pro755Ser)

Genes: MFF-DT (MFF divergent transcript; minus strand), COL4A3 (collagen type IV alpha 3 chain; plus strand). Cytogenetic location: 2q36.3.
Variant type: single nucleotide variant.
Coding change: c.2263C>T on transcript NM_000091.5 (MANE Select); coding-DNA position 2263, C replaced by T.
Protein change: p.Pro755Ser; replaces proline 755 with serine.
Molecular consequence: missense variant.
Genome position (GRCh38, 1-based): chr2:227,280,479, C>T. VCF-style: chr2-227280479-C-T. GRCh37 (hg19) VCF-style: chr2-228145195-C-T.
Other names: short protein forms P755S.
Identifiers: ClinVar variation 2144207 (VCV002144207.6), dbSNP rs770920210, ClinGen allele CA2146907.

ClinVar aggregate classification (germline): Conflicting classifications of pathogenicity. Review status: criteria provided, conflicting classifications (1 of 4 stars). 3 submissions from 3 submitters: Uncertain significance (2); Likely benign (1). Last evaluated 2024-10-22.

Conditions:
Autosomal dominant Alport syndrome (ATS3A). Also called: ALPORT SYNDROME 3A, AUTOSOMAL DOMINANT; Alport syndrome dominant type; Renal failure and sensorineural hearing loss. Identifiers: Orphanet 63, Orphanet 88918, MedGen C5882663, MONDO:0007086, OMIM 104200.
Hematuria, benign familial, 2 (BFH2). Identifiers: MedGen C5830421, MONDO:0958186, OMIM 620320.
Alport syndrome 3b, autosomal recessive. Identifiers: MedGen C5882699, MONDO:0957811, OMIM 620536.
Alport syndrome. Also called: Hemorrhagic familial nephritis; Hemorrhagic hereditary nephritis; Congenital hereditary hematuria. Identifiers: Orphanet 63, MedGen C1567741, MONDO:0018965.

Allele frequency attached by ClinVar (database versions not stated): gnomAD exomes below 0.00001; ExAC 0.00003.
gnomAD v4.1: 4 of 1,614,054 alleles (0.00025%); highest among the groups gnomAD compares: East Asian, 0.0089%; no homozygotes.

Submissions (3):

Labcorp Genetics (formerly Invitae), Labcorp
Classification: Likely benign. Last evaluated: 2024-10-22. Review status: criteria provided, single submitter. Criteria: Invitae Variant Classification Sherloc (09022015). Collection method: clinical testing. Allele origin: germline.

Fulgent Genetics
Classification: Uncertain significance for Autosomal dominant Alport syndrome; Hematuria, benign familial, 2; Alport syndrome 3b, autosomal recessive. Last evaluated: 2024-06-14. Review status: criteria provided, single submitter. Criteria: ACMG Guidelines, 2015. Collection method: clinical testing. Allele origin: germline.

Victorian Clinical Genetics Services, Murdoch Childrens Research Institute
Classification: Uncertain significance for Alport syndrome. Last evaluated: 2021-05-06. Review status: criteria provided, single submitter. Criteria: ACMG Guidelines, 2015. Collection method: clinical testing. Allele origin: germline. Affected: yes.
Comment: Based on the classification scheme VCGS_Germline_v1.3.4, this variant is classified as VUS-3A. Following criteria are met: 0103 - Dominant negative and loss of function are known mechanisms of disease in this gene and are associated with COL4A3-related nephropathy. Glycine changes that are part of a G-X-Y repeat in the triple helix of a collagen domain are known to have a dominant negative effect (PMID: 12028435). (I) 0108 - This gene is associated with both recessive (Alport syndrome 2 MIM#203780) and dominant disease (Alport syndrome 3 MIM#104200 and benign familial hematuria MIM#141200) (OMIM). (I) 0200 - Variant is predicted to result in a missense amino acid change from proline to serine. (I) 0251 - This variant is heterozygous. (I) 0302 - Variant is present in gnomAD (v2) <0.001 for a condition (6 heterozygotes, 0 homozygotes). (SP) 0502 - Missense variant with conflicting in silico predictions and uninformative conservation. (I) 0600 - Variant is located in the annotated triple helical region, in the Y position of the G-X-Y repeat (PDB). (I) 0705 - No comparable missense variants have previous evidence for pathogenicity. (I) 0809 - Previous evidence of pathogenicity for this variant is inconclusive. This variant has been previously reported as a VUS (LOVD). (I) 0905 - No published segregation evidence has been identified for this variant. (I) 1007 - No published functional evidence has been identified for this variant. (I) 1208 - Inheritance information for this variant is not currently available in this individual. (I) Legend: (SP) - Supporting pathogenic, (I) - Information, (SB) - Supporting benign

Literature cited by the submitters: PubMed 12028435 (cited by Victorian Clinical Genetics Services, Murdoch Childrens Research Institute).